The following is an entry in ClinVar:

NM_006904.7(PRKDC):c.4843G>A (p.Gly1615Arg)

Gene: PRKDC (protein kinase, DNA-activated, catalytic subunit; minus strand). Cytogenetic location: 8q11.21.
Variant type: single nucleotide variant.
Coding change: c.4843G>A on transcript NM_006904.7 (MANE Select); coding-DNA position 4843, G replaced by A.
Protein change: p.Gly1615Arg; replaces glycine 1615 with arginine.
Molecular consequence: missense variant.
Genome position (GRCh38, 1-based): chr8:47,882,031, C>T on the plus strand (G>A on the coding strand, the complement: PRKDC is on the minus strand). VCF-style: chr8-47882031-C-T. GRCh37 (hg19) VCF-style: chr8-48794592-C-T.
Other names: c.4843G>A, p.Gly1615Arg (NM_001081640.2); short protein forms G1615R.
Identifiers: ClinVar variation 1743520 (VCV001743520.2), dbSNP rs2551872719, ClinGen allele CA371142049.

ClinVar aggregate classification (germline): Uncertain significance (1 of 4 stars; one submission).

Submission:

Ambry Genetics
Classification: Uncertain significance. Last evaluated: 2022-01-04. Review status: criteria provided, single submitter. Criteria: Ambry Variant Classification Scheme 2023. Collection method: clinical testing. Allele origin: germline.
Comment: The p.G1615R variant (also known as c.4843G>A), located in coding exon 37 of the PRKDC gene, results from a G to A substitution at nucleotide position 4843. The glycine at codon 1615 is replaced by arginine, an amino acid with dissimilar properties. This amino acid position is conserved. In addition, this alteration is predicted to be deleterious by in silico analysis. Since supporting evidence is limited at this time, the clinical significance of this alteration remains unclear.